The following is an entry in ClinVar:

NM_024649.5(BBS1):c.152A>C (p.Glu51Ala)

Gene: BBS1 (Bardet-Biedl syndrome 1; plus strand). Cytogenetic location: 11q13.2.
Variant type: single nucleotide variant.
Coding change: c.152A>C on transcript NM_024649.5 (MANE Select); coding-DNA position 152, A replaced by C.
Protein change: p.Glu51Ala; replaces glutamic acid 51 with alanine.
Molecular consequence: missense variant.
Genome position (GRCh38, 1-based): chr11:66,511,232, A>C. VCF-style: chr11-66511232-A-C. GRCh37 (hg19) VCF-style: chr11-66278703-A-C.
Other names: c.152A>C (NM_024649.4); short protein forms E51A.
Identifiers: ClinVar variation 2185115 (VCV002185115.6), dbSNP rs760793954, ClinGen allele CA381454134.

ClinVar aggregate classification (germline): Uncertain significance. Review status: criteria provided, multiple submitters, no conflicts (2 of 4 stars). 3 submissions from 3 submitters: Uncertain significance (2). 1 of the submissions does not count toward it. Last evaluated 2024-04-07.

Conditions:
BBS1-related disorder. Also called: BBS1-related condition.
Bardet-Biedl syndrome 1 (BBS1). Identifiers: MedGen C2936862, MONDO:0008854, OMIM 209900. Disease mechanism: loss of function.
Bardet-Biedl syndrome (BBS). Identifiers: Orphanet 110, MedGen C0752166, MONDO:0015229.

Submissions (3):

Fulgent Genetics
Classification: Uncertain significance for Bardet-Biedl syndrome 1. Last evaluated: 2024-04-07. Review status: criteria provided, single submitter. Criteria: ACMG Guidelines, 2015. Collection method: clinical testing. Allele origin: germline.

Labcorp Genetics (formerly Invitae), Labcorp
Classification: Uncertain significance for Bardet-Biedl syndrome. Last evaluated: 2022-07-09. Review status: criteria provided, single submitter. Criteria: Invitae Variant Classification Sherloc (09022015). Collection method: clinical testing. Allele origin: germline.
Comment: Algorithms developed to predict the effect of missense changes on protein structure and function are either unavailable or do not agree on the potential impact of this missense change (SIFT: "Tolerated"; PolyPhen-2: "Possibly Damaging"; Align-GVGD: "Class C0"). In summary, the available evidence is currently insufficient to determine the role of this variant in disease. Therefore, it has been classified as a Variant of Uncertain Significance. This variant is not present in population databases (gnomAD no frequency). This variant has not been reported in the literature in individuals affected with BBS1-related conditions. This sequence change replaces glutamic acid, which is acidic and polar, with alanine, which is neutral and non-polar, at codon 51 of the BBS1 protein (p.Glu51Ala).

PreventionGenetics, part of Exact Sciences
Classification: Uncertain significance for BBS1-related condition. Last evaluated: 2024-08-02. Review status: no assertion criteria provided. Collection method: clinical testing. Allele origin: germline. Not counted in ClinVar's aggregate classification.
Comment: The BBS1 c.152A>C variant is predicted to result in the amino acid substitution p.Glu51Ala. To our knowledge, this variant has not been reported in the literature or in a large population database, indicating this variant is rare. At this time, the clinical significance of this variant is uncertain due to the absence of conclusive functional and genetic evidence.